The following is an entry in ClinVar:

ClinVar aggregate classification (germline): Uncertain significance. Review status: criteria provided, multiple submitters, no conflicts (2 of 4 stars). 2 submissions from 2 submitters: Uncertain significance (2). Last evaluated 2024-07-05.

Conditions:
Radioulnar synostosis with amegakaryocytic thrombocytopenia 1 (RUSAT1). Also called: THROMBOCYTOPENIA, CONGENITAL, WITH RADIOULNAR SYNOSTOSIS. Identifiers: Orphanet 71289, MedGen C4551975, MONDO:0024558, OMIM 605432.

Submissions (2):

Mayo Clinic Laboratories, Mayo Clinic
Classification: Uncertain significance. Last evaluated: 2024-07-05. Review status: criteria provided, single submitter. Criteria: ACMG Guidelines, 2015. Collection method: clinical testing. Allele origin: germline. Observed: 1 variant allele.
Comment: BP3, BP4

Fulgent Genetics
Classification: Uncertain significance for Radioulnar synostosis with amegakaryocytic thrombocytopenia 1. Last evaluated: 2024-03-02. Review status: criteria provided, single submitter. Criteria: ACMG Guidelines, 2015. Collection method: clinical testing. Allele origin: germline.

Literature cited by the submitters: PubMed 33681213 (cited by Mayo Clinic Laboratories, Mayo Clinic).

NM_005523.6(HOXA11):c.531GGC[7] (p.Ala183_Thr184insAlaAla)

Genes: HOXA11 (homeobox A11; minus strand), LOC107126281 (NUP98-HOXA11 recombination region; plus strand). Cytogenetic location: 7p15.2.
Variant type: Microsatellite.
Coding change: c.531GGC[7] on transcript NM_005523.6 (MANE Select); seven copies in a row of the 3-base unit GGC starting at c.531; the reference has five copies in a row; two copies, 6 bases duplicated; also written c.540_545dup.
Protein change: p.Ala183_Thr184insAlaAla.
Genome position (GRCh38, 1-based): chr7:27,184,600-27,184,605, GCCGCC duplicated on the plus strand (GGCGGC on the coding strand, the reverse complement: HOXA11 is on the minus strand); duplicating any 6 consecutive bases within chr7:27,184,600-27,184,616 gives the same sequence; the position shown is the placement nearest the transcript's 3' end. VCF-style (leftmost placement, unchanged base first): chr7-27184599-A-AGCCGCC. GRCh37 (hg19) VCF-style: chr7-27224218-A-AGCCGCC.
Other names: p.Ala182_Ala183dup; c.540_545dup (NM_005523.6).
Identifiers: ClinVar variation 3379743 (VCV003379743.2).
Genomic context (GRCh38, chr7:27,184,599, plus strand): 5'-CTCCCGGCAGCCGCCGCCGCCGCCGCTGTCCGAACTTGAAGTTGCCGGCGCGCCCGTTGC[A>AGCCGCC]GCCGCCGCCGCCGCCGCGGAGGTCGCCGTGGCCGCCGGGGGCCCCTTCTCGGCGCTCTTG-3'